The following is an entry in ClinVar:

ClinVar aggregate classification (germline): Uncertain significance (1 of 4 stars; one submission).

Conditions:
ALG12-congenital disorder of glycosylation (CDG1G). Also called: ALG12-CDG; Congenital disorder of glycosylation, type Ig; CDG Ig. Identifiers: Orphanet 79324, MedGen C2931001, MONDO:0011783, OMIM 607143.

Submission:

Labcorp Genetics (formerly Invitae), Labcorp
Classification: Uncertain significance for ALG12-congenital disorder of glycosylation. Last evaluated: 2025-03-18. Review status: criteria provided, single submitter. Criteria: Invitae Variant Classification Sherloc (09022015). Collection method: clinical testing. Allele origin: germline.
Comment: This sequence change replaces leucine, which is neutral and non-polar, with histidine, which is basic and polar, at codon 277 of the ALG12 protein (p.Leu277His). This variant is not present in population databases (gnomAD no frequency). This variant has not been reported in the literature in individuals affected with ALG12-related conditions. Invitae Evidence Modeling of protein sequence and biophysical properties (such as structural, functional, and spatial information, amino acid conservation, physicochemical variation, residue mobility, and thermodynamic stability) has been performed for this missense variant. However, the output from this modeling did not meet the statistical confidence thresholds required to predict the impact of this variant on ALG12 protein function. In summary, the available evidence is currently insufficient to determine the role of this variant in disease. Therefore, it has been classified as a Variant of Uncertain Significance.

NM_024105.4(ALG12):c.830T>A (p.Leu277His)

Gene: ALG12 (ALG12 alpha-1,6-mannosyltransferase; minus strand). Cytogenetic location: 22q13.33.
Variant type: single nucleotide variant.
Coding change: c.830T>A on transcript NM_024105.4 (MANE Select); coding-DNA position 830, T replaced by A.
Protein change: p.Leu277His; replaces leucine 277 with histidine.
Molecular consequence: missense variant.
Genome position (GRCh38, 1-based): chr22:49,907,883, A>T on the plus strand (T>A on the coding strand, the complement: ALG12 is on the minus strand). VCF-style: chr22-49907883-A-T. GRCh37 (hg19) VCF-style: chr22-50301531-A-T.
Other names: short protein forms L277H.
Identifiers: ClinVar variation 3716885 (VCV003716885.2).
Genomic context (GRCh38, chr22:49,907,883, plus strand): 5'-CCCAGTGCCAGCACCGTCGGCGCGTGCGTCCTTCTGTCTACCAAGCCCAGGGGGATGAAG[A>T]GCAGGCTGCAGCCCAGGCCGCGGGGCAGGGCTGAGTAGAAGTACCACAGCAGCGGGGAGG-3'
Protein context (NP_077010.1, residues 267-287): ALPRGLGCSL[Leu277His]FIPLGLVDRR